The following is an entry in ClinVar:

NM_001130009.3(GEN1):c.1171A>G (p.Ser391Gly)

Gene: GEN1 (GEN1 Holliday junction 5' flap endonuclease; plus strand). Cytogenetic location: 2p24.2.
Variant type: single nucleotide variant.
Coding change: c.1171A>G on transcript NM_001130009.3 (MANE Select); coding-DNA position 1171, A replaced by G.
Protein change: p.Ser391Gly; replaces serine 391 with glycine.
Molecular consequence: missense variant.
Genome position (GRCh38, 1-based): chr2:17,774,370, A>G. VCF-style: chr2-17774370-A-G. GRCh37 (hg19) VCF-style: chr2-17955637-A-G.
Other names: c.1171A>G, p.Ser391Gly (NM_182625.5); short protein forms S391G.
Identifiers: ClinVar variation 3519723 (VCV003519723.1).

ClinVar aggregate classification (germline): Uncertain significance (1 of 4 stars; one submission).

Submission:

Ambry Genetics
Classification: Uncertain significance. Last evaluated: 2024-11-21. Review status: criteria provided, single submitter. Criteria: Ambry Variant Classification Scheme 2023. Collection method: clinical testing. Allele origin: germline.
Comment: The p.S391G variant (also known as c.1171A>G), located in coding exon 10 of the GEN1 gene, results from an A to G substitution at nucleotide position 1171. The serine at codon 391 is replaced by glycine, an amino acid with similar properties. This amino acid position is conserved. In addition, this alteration is predicted to be tolerated by in silico analysis. Based on the available evidence, the clinical significance of this variant remains unclear.